The following is an entry in ClinVar:

NM_000426.4(LAMA2):c.1467+1G>A

Gene: LAMA2 (laminin subunit alpha 2; plus strand). Cytogenetic location: 6q22.33.
Variant type: single nucleotide variant.
Coding change: c.1467+1G>A on transcript NM_000426.4 (MANE Select); the canonical splice donor site of the intron after coding-DNA position 1467, G replaced by A.
Molecular consequence: splice donor variant.
Genome position (GRCh38, 1-based): chr6:129,177,867, G>A. VCF-style: chr6-129177867-G-A. GRCh37 (hg19) VCF-style: chr6-129499012-G-A.
Other names: c.1467+1G>A (NM_001079823.2).
Identifiers: ClinVar variation 477440 (VCV000477440.16), dbSNP rs1554234161, ClinGen allele CA365607742.

ClinVar aggregate classification (germline): Pathogenic/Likely pathogenic. Review status: criteria provided, multiple submitters, no conflicts (2 of 4 stars). 2 submissions from 2 submitters: Pathogenic (1); Likely pathogenic (1). Last evaluated 2021-03-22.

Conditions:
LAMA2-related muscular dystrophy (LAMA2-RD). Also called: Laminin alpha 2-related dystrophy. Identifiers: MedGen C5679788, MONDO:0100228.

Submissions (2):

Revvity Omics, Revvity
Classification: Likely pathogenic. Last evaluated: 2021-03-22. Review status: criteria provided, single submitter. Criteria: ACMG Guidelines, 2015. Collection method: clinical testing. Allele origin: germline.

Labcorp Genetics (formerly Invitae), Labcorp
Classification: Pathogenic for LAMA2-related muscular dystrophy. Last evaluated: 2016-07-03. Review status: criteria provided, single submitter. Criteria: Invitae Variant Classification Sherloc (09022015). Collection method: clinical testing. Allele origin: germline.
Comment: For these reasons, this variant has been classified as Pathogenic. This sequence change affects a donor splice site in intron 10 of the LAMA2 gene. It is expected to disrupt mRNA splicing and likely results in an absent or disrupted protein product. This variant is not present in population databases (ExAC no frequency). While this particular variant has not been reported in the literature, loss-of-function variants in LAMA2 are known to be pathogenic (PMID: 18700894).

Literature cited by the submitters: PubMed 18700894 (cited by Labcorp Genetics (formerly Invitae), Labcorp).